The following is an entry in ClinVar:

ClinVar aggregate classification (germline): Uncertain significance. Review status: criteria provided, multiple submitters, no conflicts (2 of 4 stars). 4 submissions from 4 submitters: Uncertain significance (4). Last evaluated 2025-07-15.

Conditions:
Neuroblastoma, susceptibility to, 3. Also called: ALK-Related Neuroblastic Tumor Susceptibility. Identifiers: Orphanet 635, MedGen C2751681, MONDO:0013083, OMIM 613014.
Hereditary cancer-predisposing syndrome. Also called: Neoplastic Syndromes, Hereditary; Tumor predisposition; Hereditary Cancer Syndrome; Hereditary neoplastic syndrome. Identifiers: Orphanet 140162, MedGen C0027672, MeSH D009386, MONDO:0015356.

Allele frequency attached by ClinVar (database versions not stated): gnomAD exomes 0.00002; ExAC 0.00003; gnomAD 0.00003; TOPMed 0.00004; ESP Exome Variant Server 0.00008.
gnomAD v4.1: 12 of 1,614,100 alleles (0.00074%); highest among the groups gnomAD compares: Admixed American, 0.0083%; no homozygotes.

Submissions (4):

Labcorp Genetics (formerly Invitae), Labcorp
Classification: Uncertain significance for Neuroblastoma, susceptibility to, 3. Last evaluated: 2025-07-15. Review status: criteria provided, single submitter. Criteria: Invitae Variant Classification Sherloc (09022015). Collection method: clinical testing. Allele origin: germline.
Comment: This sequence change replaces glutamic acid, which is acidic and polar, with lysine, which is basic and polar, at codon 1513 of the ALK protein (p.Glu1513Lys). This variant is present in population databases (rs374733353, gnomAD 0.01%). This variant has not been reported in the literature in individuals affected with ALK-related conditions. ClinVar contains an entry for this variant (Variation ID: 538249). An algorithm developed to predict the effect of missense changes on protein structure and function (PolyPhen-2) suggests that this variant is likely to be disruptive. In summary, the available evidence is currently insufficient to determine the role of this variant in disease. Therefore, it has been classified as a Variant of Uncertain Significance.

Ambry Genetics
Classification: Uncertain significance for Hereditary cancer-predisposing syndrome. Last evaluated: 2024-06-12. Review status: criteria provided, single submitter. Criteria: Ambry Variant Classification Scheme 2023. Collection method: clinical testing. Allele origin: germline.
Comment: The p.E1513K variant (also known as c.4537G>A), located in coding exon 29 of the ALK gene, results from a G to A substitution at nucleotide position 4537. The glutamic acid at codon 1513 is replaced by lysine, an amino acid with similar properties. This amino acid position is conserved. In addition, the in silico prediction for this alteration is inconclusive. Since supporting evidence is limited at this time, the clinical significance of this alteration remains unclear.

Baylor Genetics
Classification: Uncertain significance for Neuroblastoma, susceptibility to, 3. Last evaluated: 2024-02-29. Review status: criteria provided, single submitter. Criteria: ACMG Guidelines, 2015. Collection method: clinical testing. Allele origin: unknown.

GeneDx
Classification: Uncertain significance. Last evaluated: 2023-04-17. Review status: criteria provided, single submitter. Criteria: GeneDx Variant Classification Process June 2021. Collection method: clinical testing. Allele origin: germline. Affected: yes.
Comment: Not observed at significant frequency in large population cohorts (gnomAD); In silico analysis supports that this missense variant has a deleterious effect on protein structure/function; Observed in an individual with precocious puberty caused by ovarian Sertoli-Leydig cancer (Monroy et al., 2021); This variant is associated with the following publications: (PMID: 29273096, Monroy2021)

NM_004304.5(ALK):c.4537G>A (p.Glu1513Lys)

Gene: ALK (ALK receptor tyrosine kinase; minus strand). Cytogenetic location: 2p23.2.
Variant type: single nucleotide variant.
Coding change: c.4537G>A on transcript NM_004304.5 (MANE Select); coding-DNA position 4537, G replaced by A.
Protein change: p.Glu1513Lys; replaces glutamic acid 1513 with lysine.
Molecular consequence: missense variant.
Genome position (GRCh38, 1-based): chr2:29,193,550, C>T on the plus strand (G>A on the coding strand, the complement: ALK is on the minus strand). VCF-style: chr2-29193550-C-T. GRCh37 (hg19) VCF-style: chr2-29416416-C-T.
Other names: c.1333G>A, p.Glu445Lys (NM_001353765.2); short protein forms E1513K, E445K.
Identifiers: ClinVar variation 538249 (VCV000538249.15), dbSNP rs374733353, ClinGen allele CA1593546.